The following continues an entry in ClinVar:

NM_007294.4(BRCA1):c.4524G>A (p.Trp1508Ter)

Gene: BRCA1. ClinVar aggregate classification (germline): Pathogenic. Pathogenic (1).

Submissions 23 to 31 of 31:

Pathway Genomics
Classification: Pathogenic for Breast-ovarian cancer, familial 1. Last evaluated: 2014-10-30. Review status: criteria provided, single submitter. Criteria: ACMG Guidelines, 2015. Collection method: clinical testing. Allele origin: germline. Affected: no. Not counted in ClinVar's aggregate classification.

Rady Children's Institute for Genomic Medicine, Rady Children's Hospital San Diego
Classification: Pathogenic for Hereditary Breast and Ovarian Cancer Syndrome. Review status: criteria provided, single submitter. Criteria: ACMG Guidelines, 2015. Collection method: clinical testing. Allele origin: germline. Affected: yes. Not counted in ClinVar's aggregate classification.
Comment: This variant is also referred to as c.4524G>A (p.Trp 1508Ter) in the literature. This nonsense variant found in exon 15 of 24 is predicted to result in loss of normal protein function through either protein truncation or nonsense-mediated mRNA decay (NMD). This variant has been previously reported as a heterozygous change in patients with breast and ovarian cancer as well as other types of cancer (PMID: PMID: 25863477, 11504767, 25452441, 27082205, 22006311). Loss-of-function variation in BRCA1 is an established mechanism of disease (PMID: 20301425). The c.4587G>A (p.Trp1529Ter) variant is absent from the gnomAD population database and thus is presumed to be rare. Based on the available evidence, the c.4587G>A (p.Trp1529Ter) variant is classified as Pathogenic.

Clinical Laboratory Sciences Program (CLSP), King Saud bin Abdulaziz University for Health Sciences (KSAU-HS)
Classification: Pathogenic for Breast-ovarian cancer, familial, susceptibility to, 1. Last evaluated: 2023-04-01. Review status: no assertion criteria provided. Collection method: clinical testing. Allele origin: germline. Affected: yes. Not counted in ClinVar's aggregate classification.

BRCAlab, Lund University
Classification: Pathogenic for Breast-ovarian cancer, familial, susceptibility to, 1. Last evaluated: 2020-03-02. Review status: no assertion criteria provided. Collection method: clinical testing. Allele origin: germline. Affected: yes. Not counted in ClinVar's aggregate classification.

Counsyl
Classification: Pathogenic for Breast-ovarian cancer, familial, susceptibility to, 1. Last evaluated: 2016-08-17. Review status: no assertion criteria provided. Collection method: clinical testing. Allele origin: unknown. Not counted in ClinVar's aggregate classification.

Research Molecular Genetics Laboratory, Women's College Hospital, University of Toronto
Classification: Pathogenic for Hereditary breast ovarian cancer syndrome. Last evaluated: 2014-01-31. Review status: no assertion criteria provided. Collection method: research. Allele origin: germline. Affected: yes. Study: The Canadian Open Genetics Repository (COGR). Not counted in ClinVar's aggregate classification.

Sharing Clinical Reports Project (SCRP)
Classification: Pathogenic for Breast-ovarian cancer, familial 1. Last evaluated: 2010-11-02. Review status: no assertion criteria provided. Collection method: clinical testing. Allele origin: germline. Not counted in ClinVar's aggregate classification.

Breast Cancer Information Core (BIC) (BRCA1)
Classification: Pathogenic for Breast-ovarian cancer, familial 1. Last evaluated: 2002-05-29. Review status: no assertion criteria provided. Collection method: clinical testing. Allele origin: germline. Affected: yes. Observed: 23 variant alleles. Not counted in ClinVar's aggregate classification.

Department of Pathology and Laboratory Medicine, Sinai Health System
Classification: Uncertain significance. Review status: no assertion criteria provided. Collection method: clinical testing. Allele origin: unknown. Affected: yes. Observed: 1 variant allele. Study: The Canadian Open Genetics Repository (COGR). Not counted in ClinVar's aggregate classification.

Literature cited by the submitters: PubMed 11504767 (cited by 9 submitters); PubMed 20960228 (cited by 8 submitters); PubMed 22006311 (cited by 10 submitters); PubMed 25452441 (cited by 6 submitters); PubMed 25863477 (cited by 5 submitters); PubMed 27082205 (cited by 6 submitters); PubMed 27208206 (cited by Ambry Genetics and Quest Diagnostics Nichols Institute San Juan Capistrano); PubMed 29021639 (cited by 4 submitters); PubMed 30199306 (cited by 4 submitters); PubMed 32862574 (cited by Ambry Genetics and Color Diagnostics, LLC DBA Color Health); PubMed 34290354 (cited by 3 submitters); PubMed 20104584 (cited by Labcorp Genetics (formerly Invitae), Labcorp); PubMed 22009639 (cited by 4 submitters); PubMed 29506128 (cited by 5 submitters); PubMed 29446198 (cited by Quest Diagnostics Nichols Institute San Juan Capistrano); PubMed 26295337 (cited by Quest Diagnostics Nichols Institute San Juan Capistrano); PubMed 26250392 (cited by 4 submitters); PubMed 16267036 (cited by Quest Diagnostics Nichols Institute San Juan Capistrano and Women's Health and Genetics/Laboratory Corporation of America, LabCorp); PubMed 12402332 (cited by 4 submitters); PubMed 36537080 (cited by Quest Diagnostics Nichols Institute San Juan Capistrano and Mayo Clinic Laboratories, Mayo Clinic); PubMed 38355628 (cited by Quest Diagnostics Nichols Institute San Juan Capistrano and Mayo Clinic Laboratories, Mayo Clinic); PubMed 34657373 (cited by Quest Diagnostics Nichols Institute San Juan Capistrano and Mayo Clinic Laboratories, Mayo Clinic); PubMed 35464868 (cited by Quest Diagnostics Nichols Institute San Juan Capistrano and Color Diagnostics, LLC DBA Color Health); PubMed 23982851 (cited by 3 submitters); PubMed 31853058 (cited by Color Diagnostics, LLC DBA Color Health); PubMed 33471991 (cited by Color Diagnostics, LLC DBA Color Health and All of Us Research Program, National Institutes of Health); PubMed 28888541 (cited by Mayo Clinic Laboratories, Mayo Clinic); DOI 10.3389/fgene.2022.834265 (cited by National Health Laboratory Service, Universitas Academic Hospital and University of the Free State).